The following is an entry in ClinVar:

NM_017780.4(CHD7):c.8692A>G (p.Met2898Val)

Gene: CHD7 (chromodomain helicase DNA binding protein 7; plus strand). Cytogenetic location: 8q12.2.
Variant type: single nucleotide variant.
Coding change: c.8692A>G on transcript NM_017780.4 (MANE Select); coding-DNA position 8692, A replaced by G.
Protein change: p.Met2898Val; replaces methionine 2898 with valine.
Molecular consequence: missense variant.
Genome position (GRCh38, 1-based): chr8:60,865,631, A>G. VCF-style: chr8-60865631-A-G. GRCh37 (hg19) VCF-style: chr8-61778190-A-G.
Other names: c.2545A>G, p.Met849Val (NM_001316690.1); short protein forms M2898V, M849V.
Identifiers: ClinVar variation 588590 (VCV000588590.16), dbSNP rs755028719, ClinGen allele CA4761056.

ClinVar aggregate classification (germline): Conflicting classifications of pathogenicity. Review status: criteria provided, conflicting classifications (1 of 4 stars). 4 submissions from 4 submitters: Uncertain significance (1); Benign (1); Likely benign (2). Last evaluated 2025-09-10.

Conditions:
CHARGE syndrome (CHARGE). Also called: Coloboma, heart anomaly, choanal atresia, retardation, genital and ear anomalies; CHARGE association; Hall-Hittner syndrome; Hittner Hirsch Kreh syndrome; CHARGE ASSOCIATION--COLOBOMA, HEART ANOMALY, CHOANAL ATRESIA, RETARDATION, GENITAL AND EAR ANOMALIES. Identifiers: Orphanet 138, MedGen C0265354, MONDO:0008965.
Inborn genetic diseases. Identifiers: MedGen C0950123, MeSH D030342.

Allele frequency attached by ClinVar (database versions not stated): ExAC 0.00002; gnomAD exomes 0.00002 and 0.00003; gnomAD 0.00007; TOPMed 0.00009.
gnomAD v4.1: 45 of 1,612,628 alleles (0.0028%); highest among the groups gnomAD compares: African/African-American, 0.016%; no homozygotes.

Submissions (4):

Labcorp Genetics (formerly Invitae), Labcorp
Classification: Benign for CHARGE syndrome. Last evaluated: 2025-09-10. Review status: criteria provided, single submitter. Criteria: Invitae Variant Classification Sherloc (09022015). Collection method: clinical testing. Allele origin: germline.

Blueprint Genetics
Classification: Likely benign. Last evaluated: 2024-03-25. Review status: criteria provided, single submitter. Criteria: ACMG Guidelines, 2015. Collection method: clinical testing. Allele origin: germline.

GeneDx
Classification: Likely benign. Last evaluated: 2020-07-20. Review status: criteria provided, single submitter. Criteria: GeneDx Variant Classification Process June 2021. Collection method: clinical testing. Allele origin: germline. Affected: yes.
Comment: Missense variant in a gene in which most reported pathogenic variants are truncating/loss-of-function; Has not been previously published as pathogenic or benign to our knowledge; In silico analysis, which includes splice predictors and evolutionary conservation, suggests this variant may impact gene splicing. In the absence of RNA/functional studies, the actual effect of this sequence change is unknown.

Ambry Genetics
Classification: Uncertain significance for Inborn genetic diseases. Last evaluated: 2016-12-23. Review status: criteria provided, single submitter. Criteria: Ambry Variant Classification Scheme 2023. Collection method: clinical testing. Allele origin: germline.
Comment: The p.M2898V variant (also known as c.8692A>G), located in coding exon 37 of the CHD7 gene, results from an A to G substitution at nucleotide position 8692. The methionine at codon 2898 is replaced by valine, an amino acid with highly similar properties. This amino acid position is well conserved in available vertebrate species. In addition, the in silico prediction for this alteration is inconclusive. Using the BDGP and ESEfinder splice site prediction tools, this alteration is predicted to create a new alternate splice acceptor site; however, direct evidence is unavailable. Since supporting evidence is limited at this time, the clinical significance of this alteration remains unclear.